The following is an entry in ClinVar:

NM_000152.5(GAA):c.1557G>A (p.Met519Ile)

Gene: GAA (alpha glucosidase; plus strand). Cytogenetic location: 17q25.3.
Variant type: single nucleotide variant.
Coding change: c.1557G>A on transcript NM_000152.5 (MANE Select); coding-DNA position 1557, G replaced by A.
Protein change: p.Met519Ile; replaces methionine 519 with isoleucine.
Molecular consequence: missense variant.
Genome position (GRCh38, 1-based): chr17:80,110,946, G>A. VCF-style: chr17-80110946-G-A. GRCh37 (hg19) VCF-style: chr17-78084745-G-A.
Other names: c.1557G>A, p.Met519Ile (NM_001079803.3, NM_001079804.3); short protein forms M519I.
Identifiers: ClinVar variation 1415612 (VCV001415612.10), dbSNP rs1447365901, ClinGen allele CA401367190.
Genomic context (GRCh38, chr17:80,110,946, plus strand): 5'-ACCCCACCCTCCTCACTCTGGGCAGAGTCACCTACCAGCAGCGCTTCTCTTGCAGGACAT[G>A]AACGAGCCTTCCAACTTCATCAGGGGCTCTGAGGACGGCTGCCCCAACAATGAGCTGGAG-3'
Protein context (NP_000143.2, residues 509-529): QVPFDGMWID[Met519Ile]NEPSNFIRGS

ClinVar aggregate classification (germline): Pathogenic/Likely pathogenic. Review status: criteria provided, multiple submitters, no conflicts (2 of 4 stars). 3 submissions from 3 submitters: Pathogenic (2); Likely pathogenic (1). Last evaluated 2026-07-01.

Conditions:
Glycogen storage disease, type II (IOPD). Also called: CARDIOMEGALIA GLYCOGENICA DIFFUSA; GLYCOGENOSIS, GENERALIZED, CARDIAC FORM; GSD II; POMPE DISEASE, INFANTILE-ONSET; GLYCOGEN STORAGE DISEASE II, INFANTILE-ONSET; ACID ALPHA-GLUCOSIDASE DEFICIENCY, INFANTILE-ONSET. Identifiers: Orphanet 365, MedGen C0017921, MONDO:0009290, OMIM 232300.

Submissions (3):

Genomenon, Inc
Classification: Likely pathogenic for Glycogen storage disease, type II. Last evaluated: 2026-07-01. Review status: criteria provided, single submitter. Criteria: Genomenon Sequence Variant Interpretation Standards - Updated. Collection method: curation. Allele origin: germline. Affected: yes.
Comment: GAA p.Met519Ile (c.1557G>A) is a missense variant that changes the amino acid at codon 519 from Methionine to Isoleucine. This variant has been observed in at least one proband with a GAA-related disorder in the compound heterozygous and/or homozygous state (PMID:38043017;36105079;31439017). The variant is located in a mutational hotspot and/or important functional domain. It is absent or not present at a significant frequency in gnomAD. In silico models predict that this variant is possibly or probably damaging. In conclusion, we classify GAA p.Met519Ile (c.1557G>A) as a likely pathogenic variant.

Baylor Genetics
Classification: Pathogenic for Glycogen storage disease, type II. Last evaluated: 2023-12-03. Review status: criteria provided, single submitter. Criteria: ACMG Guidelines, 2015. Collection method: clinical testing. Allele origin: unknown.

Labcorp Genetics (formerly Invitae), Labcorp
Classification: Pathogenic for Glycogen storage disease, type II. Last evaluated: 2022-08-16. Review status: criteria provided, single submitter. Criteria: Invitae Variant Classification Sherloc (09022015). Collection method: clinical testing. Allele origin: germline.
Comment: For these reasons, this variant has been classified as Pathogenic. This variant disrupts the p.Met519 amino acid residue in GAA. Other variant(s) that disrupt this residue have been determined to be pathogenic (PMID: 14695532, 31193175, 31342611). This suggests that this residue is clinically significant, and that variants that disrupt this residue are likely to be disease-causing. Advanced modeling of protein sequence and biophysical properties (such as structural, functional, and spatial information, amino acid conservation, physicochemical variation, residue mobility, and thermodynamic stability) performed at Invitae indicates that this missense variant is expected to disrupt GAA protein function. ClinVar contains an entry for this variant (Variation ID: 1415612). This missense change has been observed in individual(s) with Pompe disease (PMID: 31439017, 31965297). In at least one individual the data is consistent with being in trans (on the opposite chromosome) from a pathogenic variant. This variant is not present in population databases (gnomAD no frequency). This sequence change replaces methionine, which is neutral and non-polar, with isoleucine, which is neutral and non-polar, at codon 519 of the GAA protein (p.Met519Ile).

Literature cited by the submitters: PubMed 38043017 (cited by Genomenon, Inc); PubMed 36105079 (cited by Genomenon, Inc); PubMed 31439017 (cited by Genomenon, Inc and Labcorp Genetics (formerly Invitae), Labcorp); PubMed 14695532 (cited by Labcorp Genetics (formerly Invitae), Labcorp); PubMed 31193175 (cited by Labcorp Genetics (formerly Invitae), Labcorp); PubMed 31342611 (cited by Labcorp Genetics (formerly Invitae), Labcorp); PubMed 31965297 (cited by Labcorp Genetics (formerly Invitae), Labcorp).